The following is an entry in ClinVar:

NM_000090.4(COL3A1):c.477T>C (p.Asp159=)

Gene: COL3A1 (collagen type III alpha 1 chain; plus strand). Cytogenetic location: 2q32.2.
Variant type: single nucleotide variant.
Coding change: c.477T>C on transcript NM_000090.4 (MANE Select); coding-DNA position 477, T replaced by C.
Protein change: p.Asp159=; no amino-acid change (aspartic acid 159 retained).
Molecular consequence: synonymous variant.
Genome position (GRCh38, 1-based): chr2:188,987,088, T>C. VCF-style: chr2-188987088-T-C. GRCh37 (hg19) VCF-style: chr2-189851814-T-C.
Identifiers: ClinVar variation 2717251 (VCV002717251.5), dbSNP rs2469111431, ClinGen allele CA430308852.

ClinVar aggregate classification (germline): Likely benign. Review status: criteria provided, multiple submitters, no conflicts (2 of 4 stars). 3 submissions from 3 submitters: Likely benign (3). Last evaluated 2025-04-17.

Conditions:
Ehlers-Danlos syndrome, type 4 (EDSVASC). Also called: Ehlers-Danlos Syndrome Type IV; Ehlers-Danlos syndrome vascular type; Ehlers Danlos syndrome, ecchymotic type; Ehlers Danlos syndrome, arterial type; Ehlers Danlos syndrome, Sack-Barabas type. Identifiers: Orphanet 286, MedGen C0268338, MONDO:0017314, OMIM 130050.
Familial thoracic aortic aneurysm and aortic dissection (TAAD). Also called: Thoracic aortic aneurysms and dissections. Identifiers: Orphanet 91387, MedGen C4707243, MONDO:0019625.

Allele frequency attached by ClinVar (database versions not stated): gnomAD exomes below 0.00001.
gnomAD v4.1: 1 of 1,613,036 alleles (0.000062%); highest among the groups gnomAD compares: Non-Finnish European, 0.000085%; no homozygotes.

Submissions (3):

Labcorp Genetics (formerly Invitae), Labcorp
Classification: Likely benign for Ehlers-Danlos syndrome, type 4. Last evaluated: 2025-04-17. Review status: criteria provided, single submitter. Criteria: Invitae Variant Classification Sherloc (09022015). Collection method: clinical testing. Allele origin: germline.

Ambry Genetics
Classification: Likely benign for Familial thoracic aortic aneurysm and aortic dissection. Last evaluated: 2024-04-28. Review status: criteria provided, single submitter. Criteria: Ambry Variant Classification Scheme 2023. Collection method: clinical testing. Allele origin: germline.

All of Us Research Program, National Institutes of Health
Classification: Likely benign for Ehlers-Danlos syndrome, type 4. Last evaluated: 2023-12-18. Review status: criteria provided, single submitter. Criteria: ACMG Guidelines, 2015. Collection method: clinical testing. Allele origin: germline. Inheritance: Autosomal dominant inheritance. Observed: 1 variant allele, 1 heterozygote.
Comment: This study involves interpretation of variants in research participants for the purpose of population health screening. Participant phenotype was not available at the time of variant classification. Additional details can be found in publication PMID: 35346344, PMCID: PMC8962531